The following is an entry in ClinVar:

NM_022552.5(DNMT3A):c.348A>G (p.Ala116=)

Gene: DNMT3A (DNA methyltransferase 3 alpha; minus strand). Cytogenetic location: 2p23.3.
Variant type: single nucleotide variant.
Coding change: c.348A>G on transcript NM_022552.5 (MANE Select); coding-DNA position 348, A replaced by G.
Protein change: p.Ala116=; no amino-acid change (alanine 116 retained).
Molecular consequence: synonymous variant. On other transcripts: non-coding transcript variant (1).
Genome position (GRCh38, 1-based): chr2:25,282,541, T>C on the plus strand (A>G on the coding strand, the complement: DNMT3A is on the minus strand). VCF-style: chr2-25282541-T-C. GRCh37 (hg19) VCF-style: chr2-25505410-T-C.
Other names: c.348A>G, p.Ala116= (NM_001320892.2, NM_175629.2, NM_175630.1).
Identifiers: ClinVar variation 3344998 (VCV003344998.1).
Genomic context (GRCh38, chr2:25,282,541, plus strand): 5'-GCAGCCATTTTCCACTGCTCTTGAGGCTTCAGGCAGGGTCTCAGCTGCACCCTCTCCCTC[T>C]GCTGGGGCCCCGCCCTTCTGCCCCCCAGCAGGGCTCCCCTCCTCTGGCTGGGGCTCACTC-3'
Protein context (NP_072046.2, residues 106-126): PAGGQKGGAP[Ala116=]EGEGAAETLP

ClinVar aggregate classification (germline): Likely benign (0 of 4 stars; one submission).

Conditions:
DNMT3A-related disorder. Also called: DNMT3A-related condition; DNMT3A-related disorders.

Submission:

PreventionGenetics, part of Exact Sciences
Classification: Likely benign for DNMT3A-related condition. Last evaluated: 2024-07-25. Review status: no assertion criteria provided. Collection method: clinical testing. Allele origin: germline.
Comment: This variant is classified as likely benign based on ACMG/AMP sequence variant interpretation guidelines (Richards et al. 2015 PMID: 25741868, with internal and published modifications).